The following is an entry in ClinVar:

ClinVar aggregate classification (germline): Uncertain significance (1 of 4 stars; one submission).

gnomAD v4.1: 1 of 1,598,648 alleles (0.000063%); highest among the groups gnomAD compares: Non-Finnish European, 0.000085%; no homozygotes.

Submission:

Ambry Genetics
Classification: Uncertain significance. Last evaluated: 2026-07-07. Review status: criteria provided, single submitter. Criteria: Ambry Variant Classification Scheme 2023. Collection method: clinical testing. Allele origin: germline.
Comment: The p.P1245T variant (also known as c.3733C>A), located in coding exon 13 of the CDK12 gene, results from a C to A substitution at nucleotide position 3733. The proline at codon 1245 is replaced by threonine, an amino acid with highly similar properties. This amino acid position is conserved. In addition, this alteration is predicted to be tolerated by in silico analysis. Based on the available evidence, the clinical significance of this variant remains unclear.

NM_016507.4(CDK12):c.3733C>A (p.Pro1245Thr)

Gene: CDK12 (cyclin dependent kinase 12; plus strand). Cytogenetic location: 17q12.
Variant type: single nucleotide variant.
Coding change: c.3733C>A on transcript NM_016507.4 (MANE Select); coding-DNA position 3733, C replaced by A.
Protein change: p.Pro1245Thr; replaces proline 1245 with threonine.
Molecular consequence: missense variant.
Genome position (GRCh38, 1-based): chr17:39,526,289, C>A. VCF-style: chr17-39526289-C-A. GRCh37 (hg19) VCF-style: chr17-37682542-C-A.
Other names: c.3733C>A, p.Pro1245Thr (NM_015083.4); short protein forms P1245T.
Identifiers: ClinVar variation 5034084 (VCV005034084.1).